The following is an entry in ClinVar:

ClinVar aggregate classification (germline): Uncertain significance (1 of 4 stars; one submission).

Conditions:
Hereditary cancer-predisposing syndrome. Also called: Neoplastic Syndromes, Hereditary; Tumor predisposition; Hereditary Cancer Syndrome; Hereditary neoplastic syndrome. Identifiers: Orphanet 140162, MedGen C0027672, MeSH D009386, MONDO:0015356.

Submission:

Ambry Genetics
Classification: Uncertain significance for Hereditary cancer-predisposing syndrome. Last evaluated: 2024-12-02. Review status: criteria provided, single submitter. Criteria: Ambry Variant Classification Scheme 2023. Collection method: clinical testing. Allele origin: germline.
Comment: The p.V945G variant (also known as c.2834T>G), located in coding exon 17 of the RET gene, results from a T to G substitution at nucleotide position 2834. The valine at codon 945 is replaced by glycine, an amino acid with dissimilar properties. This amino acid position is conserved. In addition, this alteration is predicted to be deleterious by in silico analysis. Based on the available evidence, the clinical significance of this variant remains unclear.

NM_020975.6(RET):c.2834T>G (p.Val945Gly)

Gene: RET (ret proto-oncogene; plus strand). Cytogenetic location: 10q11.21.
Variant type: single nucleotide variant.
Coding change: c.2834T>G on transcript NM_020975.6 (MANE Select); coding-DNA position 2834, T replaced by G.
Protein change: p.Val945Gly; replaces valine 945 with glycine.
Molecular consequence: missense variant.
Genome position (GRCh38, 1-based): chr10:43,123,703, T>G. VCF-style: chr10-43123703-T-G. GRCh37 (hg19) VCF-style: chr10-43619151-T-G.
Other names: c.2072T>G, p.Val691Gly (NM_001355216.2); c.2834T>G, p.Val945Gly (NM_001406743.1, NM_001406744.1, NM_001406759.1 and 2 more transcripts); c.2705T>G, p.Val902Gly (NM_001406761.1, NM_001406762.1, NM_001406764.1); c.2699T>G, p.Val900Gly (NM_001406763.1, NM_001406765.1); c.2546T>G, p.Val849Gly (NM_001406766.1, NM_001406767.1, NM_001406770.1); c.2570T>G, p.Val857Gly (NM_001406768.1); c.2438T>G, p.Val813Gly (NM_001406769.1, NM_001406772.1); c.2396T>G, p.Val799Gly (NM_001406771.1, NM_001406773.1); and 10 more; short protein forms V462G, V550G, V849G, V945G, V601G, V606G, V615G, V770G.
Identifiers: ClinVar variation 3432302 (VCV003432302.1).